The following is an entry in ClinVar:

ClinVar aggregate classification (germline): Uncertain significance (1 of 4 stars; one submission).

Conditions:
Nephronophthisis. Also called: Juvenile Nephronophthisis. Identifiers: Orphanet 655, MedGen C0687120, MONDO:0019005, HP:0000090.

Allele frequency attached by ClinVar (database versions not stated): gnomAD exomes below 0.00001; ExAC 0.00001; gnomAD 0.00001.
gnomAD v4.1: 2 of 1,613,852 alleles (0.00012%); highest among the groups gnomAD compares: East Asian, 0.0022%; no homozygotes.

Submission:

Labcorp Genetics (formerly Invitae), Labcorp
Classification: Uncertain significance for Nephronophthisis. Last evaluated: 2022-10-25. Review status: criteria provided, single submitter. Criteria: Invitae Variant Classification Sherloc (09022015). Collection method: clinical testing. Allele origin: germline.
Comment: Advanced modeling of protein sequence and biophysical properties (such as structural, functional, and spatial information, amino acid conservation, physicochemical variation, residue mobility, and thermodynamic stability) performed at Invitae indicates that this missense variant is expected to disrupt NPHP4 protein function. In summary, the available evidence is currently insufficient to determine the role of this variant in disease. Therefore, it has been classified as a Variant of Uncertain Significance. This sequence change replaces glycine, which is neutral and non-polar, with aspartic acid, which is acidic and polar, at codon 1400 of the NPHP4 protein (p.Gly1400Asp). This variant is present in population databases (rs756370237, gnomAD 0.006%). This variant has not been reported in the literature in individuals affected with NPHP4-related conditions. ClinVar contains an entry for this variant (Variation ID: 1018521).

NM_015102.5(NPHP4):c.4199G>A (p.Gly1400Asp)

Gene: NPHP4 (nephrocystin 4; minus strand). Cytogenetic location: 1p36.31.
Variant type: single nucleotide variant.
Coding change: c.4199G>A on transcript NM_015102.5 (MANE Select); coding-DNA position 4199, G replaced by A.
Protein change: p.Gly1400Asp; replaces glycine 1400 with aspartic acid.
Molecular consequence: missense variant. On other transcripts: non-coding transcript variant (1).
Genome position (GRCh38, 1-based): chr1:5,863,347, C>T on the plus strand (G>A on the coding strand, the complement: NPHP4 is on the minus strand). VCF-style: chr1-5863347-C-T. GRCh37 (hg19) VCF-style: chr1-5923407-C-T.
Other names: c.2660G>A, p.Gly887Asp (NM_001291593.2); c.2663G>A, p.Gly888Asp (NM_001291594.2); short protein forms G1400D, G887D, G888D.
Identifiers: ClinVar variation 1018521 (VCV001018521.8), dbSNP rs756370237, ClinGen allele CA553299.